The following is an entry in ClinVar:

ClinVar aggregate classification (germline): Likely pathogenic. Review status: criteria provided, multiple submitters, no conflicts (2 of 4 stars). 2 submissions from 2 submitters: Likely pathogenic (2). Last evaluated 2024-03-06.

Conditions:
Bardet-Biedl syndrome 14 (BBS14). Identifiers: Orphanet 110, MedGen C2673874, MONDO:0014442, OMIM 615991.
COACH syndrome 1. Identifiers: Orphanet 1454, MedGen C5435651, MONDO:0800103, OMIM 216360, MONDO:0008996.
Joubert syndrome 6 (JBTS6). Identifiers: Orphanet 475, MedGen C1853153, MONDO:0012539, OMIM 610688.
Meckel syndrome, type 3 (MKS3). Also called: MECKEL-GRUBER SYNDROME, TYPE 3. Identifiers: Orphanet 564, MedGen C1846357, MONDO:0011821, OMIM 607361.
RHYNS syndrome. Also called: RETINITIS PIGMENTOSA SYNDROME; RETINITIS PIGMENTOSA, HYPOPITUITARISM, NEPHRONOPHTHISIS, AND MILD SKELETAL DYSPLASIA. Identifiers: Orphanet 140976, MedGen C1865794, MONDO:0011202, OMIM 602152.
Nephronophthisis 11 (NPHP11). Identifiers: Orphanet 84081, MedGen C3150796, MONDO:0013302, OMIM 613550.
Joubert syndrome. Also called: CEREBELLOPARENCHYMAL DISORDER IV; JOUBERT-BOLTSHAUSER SYNDROME; Familial aplasia of the vermis. Identifiers: Orphanet 475, MedGen C5979921, MONDO:0018772.
Meckel-Gruber syndrome. Also called: DYSENCEPHALIA SPLANCHNOCYSTICA; GRUBER SYNDROME; Dysencephalia splachnocystica. Identifiers: Orphanet 564, MedGen C0265215, MONDO:0018921.

Submissions (2):

Fulgent Genetics
Classification: Likely pathogenic for COACH syndrome 1; RHYNS syndrome; Meckel syndrome, type 3; Joubert syndrome 6; Nephronophthisis 11; Bardet-Biedl syndrome 14. Last evaluated: 2024-03-06. Review status: criteria provided, single submitter. Criteria: ACMG Guidelines, 2015. Collection method: clinical testing. Allele origin: germline.

Labcorp Genetics (formerly Invitae), Labcorp
Classification: Likely pathogenic for Joubert syndrome; Meckel-Gruber syndrome. Last evaluated: 2022-10-05. Review status: criteria provided, single submitter. Criteria: Invitae Variant Classification Sherloc (09022015). Collection method: clinical testing. Allele origin: germline.
Comment: In summary, the currently available evidence indicates that the variant is pathogenic, but additional data are needed to prove that conclusively. Therefore, this variant has been classified as Likely Pathogenic. Algorithms developed to predict the effect of sequence changes on RNA splicing suggest that this variant may disrupt the consensus splice site. This variant has not been reported in the literature in individuals affected with TMEM67-related conditions. This variant is not present in population databases (gnomAD no frequency). This sequence change affects a donor splice site in intron 8 of the TMEM67 gene. It is expected to disrupt RNA splicing. Variants that disrupt the donor or acceptor splice site typically lead to a loss of protein function (PMID: 16199547), and loss-of-function variants in TMEM67 are known to be pathogenic (PMID: 20232449, 23559409).

Literature cited by the submitters: PubMed 16199547 (cited by Labcorp Genetics (formerly Invitae), Labcorp); PubMed 20232449 (cited by Labcorp Genetics (formerly Invitae), Labcorp); PubMed 23559409 (cited by Labcorp Genetics (formerly Invitae), Labcorp).

NM_153704.6(TMEM67):c.869+1G>C

Gene: TMEM67 (transmembrane protein 67; plus strand). Cytogenetic location: 8q22.1.
Variant type: single nucleotide variant.
Coding change: c.869+1G>C on transcript NM_153704.6 (MANE Select); the canonical splice donor site of the intron after coding-DNA position 869, G replaced by C.
Molecular consequence: splice donor variant.
Genome position (GRCh38, 1-based): chr8:93,780,748, G>C. VCF-style: chr8-93780748-G-C. GRCh37 (hg19) VCF-style: chr8-94792976-G-C.
Other names: c.626+1G>C (NM_001142301.1).
Identifiers: ClinVar variation 2093297 (VCV002093297.5), dbSNP rs773594502, ClinGen allele CA371688126.